The following is an entry in ClinVar:

NM_018975.4(TERF2IP):c.673C>T (p.Pro225Ser)

Gene: TERF2IP (TERF2 interacting protein; plus strand). Cytogenetic location: 16q23.1.
Variant type: single nucleotide variant.
Coding change: c.673C>T on transcript NM_018975.4 (MANE Select); coding-DNA position 673, C replaced by T.
Protein change: p.Pro225Ser; replaces proline 225 with serine.
Molecular consequence: missense variant. On other transcripts: non-coding transcript variant (1).
Genome position (GRCh38, 1-based): chr16:75,654,275, C>T. VCF-style: chr16-75654275-C-T. GRCh37 (hg19) VCF-style: chr16-75688173-C-T.
Other names: short protein forms P225S.
Identifiers: ClinVar variation 2461035 (VCV002461035.6), dbSNP rs760654243, ClinGen allele CA8178062.

ClinVar aggregate classification (germline): Uncertain significance. Review status: criteria provided, multiple submitters, no conflicts (2 of 4 stars). 2 submissions from 2 submitters: Uncertain significance (2). Last evaluated 2025-04-03.

Allele frequency attached by ClinVar (database versions not stated): gnomAD 0.00001; gnomAD exomes 0.00003; ExAC 0.00003.

Submissions (2):

Ambry Genetics
Classification: Uncertain significance. Last evaluated: 2025-04-03. Review status: criteria provided, single submitter. Criteria: Ambry Variant Classification Scheme 2023. Collection method: clinical testing. Allele origin: germline.

Labcorp Genetics (formerly Invitae), Labcorp
Classification: Uncertain significance. Last evaluated: 2025-03-11. Review status: criteria provided, single submitter. Criteria: Invitae Variant Classification Sherloc (09022015). Collection method: clinical testing. Allele origin: germline.
Comment: This sequence change replaces proline, which is neutral and non-polar, with serine, which is neutral and polar, at codon 225 of the TERF2IP protein (p.Pro225Ser). This variant is present in population databases (rs760654243, gnomAD 0.009%). This variant has not been reported in the literature in individuals affected with TERF2IP-related conditions. ClinVar contains an entry for this variant (Variation ID: 2461035). An algorithm developed to predict the effect of missense changes on protein structure and function (PolyPhen-2) suggests that this variant is likely to be disruptive. In summary, the available evidence is currently insufficient to determine the role of this variant in disease. Therefore, it has been classified as a Variant of Uncertain Significance.